The following is an entry in ClinVar:

ClinVar aggregate classification (germline): Likely benign. Review status: criteria provided, multiple submitters, no conflicts (2 of 4 stars). 3 submissions from 3 submitters: Likely benign (2). 1 of the submissions does not count toward it. Last evaluated 2025-04-12.

Conditions:
CFAP298-related disorder. Also called: CFAP298-related condition.

Allele frequency attached by ClinVar (database versions not stated): ExAC 0.00002; gnomAD 0.00004; gnomAD exomes 0.00004; TOPMed 0.00006.
gnomAD v4.1: 66 of 1,614,022 alleles (0.0041%); highest among the groups gnomAD compares: Non-Finnish European, 0.005%; no homozygotes.

Submissions (3):

Labcorp Genetics (formerly Invitae), Labcorp
Classification: Likely benign. Last evaluated: 2025-04-12. Review status: criteria provided, single submitter. Criteria: Invitae Variant Classification Sherloc (09022015). Collection method: clinical testing. Allele origin: germline.

Blueprint Genetics
Classification: Likely benign. Last evaluated: 2022-09-09. Review status: criteria provided, single submitter. Criteria: ACMG Guidelines, 2015. Collection method: clinical testing. Allele origin: germline.

PreventionGenetics, part of Exact Sciences
Classification: Likely benign for CFAP298-related condition. Last evaluated: 2019-11-05. Review status: no assertion criteria provided. Collection method: clinical testing. Allele origin: germline. Not counted in ClinVar's aggregate classification.
Comment: This variant is classified as likely benign based on ACMG/AMP sequence variant interpretation guidelines (Richards et al. 2015 PMID: 25741868, with internal and published modifications).

NM_021254.4(CFAP298):c.621C>T (p.Tyr207=)

Genes: CFAP298 (cilia and flagella associated protein 298; minus strand), CFAP298-TCP10L (CFAP298-TCP10L readthrough; minus strand). Cytogenetic location: 21q22.11.
Variant type: single nucleotide variant.
Coding change: c.621C>T on transcript NM_021254.4 (MANE Select); coding-DNA position 621, C replaced by T.
Protein change: p.Tyr207=; no amino-acid change (tyrosine 207 retained).
Molecular consequence: synonymous variant. On other transcripts: non-coding transcript variant (2).
Genome position (GRCh38, 1-based): chr21:32,603,206, G>A on the plus strand (C>T on the coding strand, the complement: CFAP298 is on the minus strand). VCF-style: chr21-32603206-G-A. GRCh37 (hg19) VCF-style: chr21-33975516-G-A.
Other names: c.621C>T, p.Tyr207= (NM_001350338.2, NM_001350335.2, NM_001350336.2 and 1 more transcripts); c.324C>T, p.Tyr108= (NM_001350334.2).
Identifiers: ClinVar variation 3045592 (VCV003045592.4), dbSNP rs759913057, ClinGen allele CA10002795.